The following is an entry in ClinVar:

ClinVar aggregate classification (germline): Likely benign (1 of 4 stars; one submission).

Allele frequency attached by ClinVar (database versions not stated): gnomAD exomes below 0.00001; TOPMed below 0.00001.
gnomAD v4.1: 1 of 1,611,362 alleles (0.000062%); highest among the groups gnomAD compares: Non-Finnish European, 0.000085%; no homozygotes.

Submission:

GeneDx
Classification: Likely benign. Last evaluated: 2018-01-16. Review status: criteria provided, single submitter. Criteria: GeneDx Variant Classification (06012015). Collection method: clinical testing. Allele origin: germline. Affected: yes.
Comment: This variant is considered likely benign or benign based on one or more of the following criteria: it is a conservative change, it occurs at a poorly conserved position in the protein, it is predicted to be benign by multiple in silico algorithms, and/or has population frequency not consistent with disease.

NM_000925.4(PDHB):c.87T>A (p.Ala29=)

Genes: PDHB (pyruvate dehydrogenase E1 subunit beta; minus strand), LOC129936949 (ATAC-STARR-seq lymphoblastoid active region 20012; plus strand). Cytogenetic location: 3p14.3.
Variant type: single nucleotide variant.
Coding change: c.87T>A on transcript NM_000925.4 (MANE Select); coding-DNA position 87, T replaced by A.
Protein change: p.Ala29=; no amino-acid change (alanine 29 retained).
Molecular consequence: synonymous variant. On other transcripts: non-coding transcript variant (1), intron variant (1).
Genome position (GRCh38, 1-based): chr3:58,433,640, A>T on the plus strand (T>A on the coding strand, the complement: PDHB is on the minus strand). VCF-style: chr3-58433640-A-T. GRCh37 (hg19) VCF-style: chr3-58419367-A-T.
Other names: c.87T>A, p.Ala29= (NM_001173468.2); c.42+128T>A (NM_001315536.2).
Identifiers: ClinVar variation 382646 (VCV000382646.1), dbSNP rs1030195578, ClinGen allele CA16604513.